The following is an entry in ClinVar:

ClinVar aggregate classification (germline): Uncertain significance (1 of 4 stars; one submission).

Allele frequency attached by ClinVar (database versions not stated): gnomAD exomes below 0.00001; TOPMed 0.00001; gnomAD 0.00002.
gnomAD v4.1: 4 of 1,210,414 alleles (0.00033%); highest among the groups gnomAD compares: Non-Finnish European, 0.00045%; no homozygotes.

Submission:

Labcorp Genetics (formerly Invitae), Labcorp
Classification: Uncertain significance. Last evaluated: 2023-10-04. Review status: criteria provided, single submitter. Criteria: Invitae Variant Classification Sherloc (09022015). Collection method: clinical testing. Allele origin: germline.
Comment: This sequence change replaces tyrosine, which is neutral and polar, with serine, which is neutral and polar, at codon 48 of the RBM10 protein (p.Tyr48Ser). This variant is present in population databases (no rsID available, gnomAD 0.001%). This variant has not been reported in the literature in individuals affected with RBM10-related conditions. An algorithm developed to predict the effect of missense changes on protein structure and function (PolyPhen-2) suggests that this variant is likely to be tolerated. In summary, the available evidence is currently insufficient to determine the role of this variant in disease. Therefore, it has been classified as a Variant of Uncertain Significance.

NM_005676.5(RBM10):c.143A>C (p.Tyr48Ser)

Gene: RBM10 (RNA binding motif protein 10; plus strand). Cytogenetic location: Xp11.3.
Variant type: single nucleotide variant.
Coding change: c.143A>C on transcript NM_005676.5 (MANE Select); coding-DNA position 143, A replaced by C.
Protein change: p.Tyr48Ser; replaces tyrosine 48 with serine.
Molecular consequence: missense variant.
Genome position (GRCh38, 1-based): chrX:47,169,440, A>C. VCF-style: chrX-47169440-A-C. GRCh37 (hg19) VCF-style: chrX-47028839-A-C.
Other names: c.143A>C, p.Tyr48Ser (NM_001204466.2, NM_001204467.2, NM_152856.3); c.338A>C, p.Tyr113Ser (NM_001204468.2); short protein forms Y48S, Y113S.
Identifiers: ClinVar variation 2712124 (VCV002712124.3), dbSNP rs1219338503, ClinGen allele CA412789122.